The following is an entry in ClinVar:

ClinVar aggregate classification (germline): Uncertain significance. Review status: criteria provided, multiple submitters, no conflicts (2 of 4 stars). 2 submissions from 2 submitters: Uncertain significance (2). Last evaluated 2024-03-26.

Conditions:
Cardiovascular phenotype. Identifiers: MedGen CN230736.
Atrial septal defect 5 (ASD5). Identifiers: Orphanet 1478, MedGen C2748552, MONDO:0013011, OMIM 612794.
Dilated cardiomyopathy 1R (CMD1R). Identifiers: Orphanet 154, Orphanet 54260, MedGen C3150681, MONDO:0013261, OMIM 613424.
Hypertrophic cardiomyopathy 11. Also called: ACTC1-Related Familial Hypertrophic Cardiomyopathy. Identifiers: MedGen C2677506, MONDO:0012799, OMIM 612098.

Submissions (2):

Labcorp Genetics (formerly Invitae), Labcorp
Classification: Uncertain significance for Dilated cardiomyopathy 1R; Hypertrophic cardiomyopathy 11; Atrial septal defect 5. Last evaluated: 2024-03-26. Review status: criteria provided, single submitter. Criteria: Invitae Variant Classification Sherloc (09022015). Collection method: clinical testing. Allele origin: germline.
Comment: This sequence change replaces glycine, which is neutral and non-polar, with aspartic acid, which is acidic and polar, at codon 368 of the ACTC1 protein (p.Gly368Asp). This variant is not present in population databases (gnomAD no frequency). This variant has not been reported in the literature in individuals affected with ACTC1-related conditions. Advanced modeling of protein sequence and biophysical properties (such as structural, functional, and spatial information, amino acid conservation, physicochemical variation, residue mobility, and thermodynamic stability) performed at Invitae indicates that this missense variant is not expected to disrupt ACTC1 protein function with a negative predictive value of 80%. In summary, the available evidence is currently insufficient to determine the role of this variant in disease. Therefore, it has been classified as a Variant of Uncertain Significance.

Ambry Genetics
Classification: Uncertain significance for Cardiovascular phenotype. Last evaluated: 2023-12-29. Review status: criteria provided, single submitter. Criteria: Ambry Variant Classification Scheme 2023. Collection method: clinical testing. Allele origin: germline.
Comment: The p.G368D variant (also known as c.1103G>A), located in coding exon 6 of the ACTC1 gene, results from a G to A substitution at nucleotide position 1103. The glycine at codon 368 is replaced by aspartic acid, an amino acid with similar properties. This amino acid position is conserved. In addition, this alteration is predicted to be deleterious by in silico analysis. Since supporting evidence is limited at this time, the clinical significance of this alteration remains unclear.

NM_005159.5(ACTC1):c.1103G>A (p.Gly368Asp)

Genes: ACTC1 (actin alpha cardiac muscle 1; minus strand), GJD2-DT (GJD2 divergent transcript; plus strand). Cytogenetic location: 15q14.
Variant type: single nucleotide variant.
Coding change: c.1103G>A on transcript NM_005159.5 (MANE Select); coding-DNA position 1103, G replaced by A.
Protein change: p.Gly368Asp; replaces glycine 368 with aspartic acid.
Molecular consequence: missense variant.
Genome position (GRCh38, 1-based): chr15:34,790,443, C>T on the plus strand (G>A on the coding strand, the complement: ACTC1 is on the minus strand). VCF-style: chr15-34790443-C-T. GRCh37 (hg19) VCF-style: chr15-35082644-C-T.
Other names: c.1103G>A, p.Gly368Asp (NM_001406482.1, NM_001406483.1); c.968G>A, p.Gly323Asp (NM_001406484.1); c.662G>A, p.Gly221Asp (NM_001406485.1); short protein forms G221D, G323D, G368D.
Identifiers: ClinVar variation 3224597 (VCV003224597.3), dbSNP rs2504175913, ClinGen allele CA391628618.